The following is an entry in ClinVar:

NM_002519.3(NPAT):c.982C>T (p.Leu328Phe)

Gene: NPAT (nuclear protein, coactivator of histone transcription; minus strand). Cytogenetic location: 11q22.3.
Variant type: single nucleotide variant.
Coding change: c.982C>T on transcript NM_002519.3 (MANE Select); coding-DNA position 982, C replaced by T.
Protein change: p.Leu328Phe; replaces leucine 328 with phenylalanine.
Molecular consequence: missense variant.
Genome position (GRCh38, 1-based): chr11:108,177,015, G>A on the plus strand (C>T on the coding strand, the complement: NPAT is on the minus strand). VCF-style: chr11-108177015-G-A. GRCh37 (hg19) VCF-style: chr11-108047742-G-A.
Other names: c.982C>T, p.Leu328Phe (NM_001321307.1); short protein forms L328F.
Identifiers: ClinVar variation 3407190 (VCV003407190.1).

ClinVar aggregate classification (germline): Uncertain significance (1 of 4 stars; one submission).

gnomAD v4.1: 14 of 1,610,838 alleles (0.00087%); highest among the groups gnomAD compares: South Asian, 0.0011%; no homozygotes.

Submission:

Ambry Genetics
Classification: Uncertain significance. Last evaluated: 2024-08-14. Review status: criteria provided, single submitter. Criteria: Ambry Variant Classification Scheme 2023. Collection method: clinical testing. Allele origin: germline.
Comment: The p.L328F variant (also known as c.982C>T), located in coding exon 11 of the NPAT gene, results from a C to T substitution at nucleotide position 982. The leucine at codon 328 is replaced by phenylalanine, an amino acid with highly similar properties. This amino acid position is conserved. In addition, the in silico prediction for this alteration is inconclusive. Based on the available evidence, the clinical significance of this variant remains unclear.